The following is an entry in ClinVar:

NM_001370259.2(MEN1):c.193C>A (p.Pro65Thr)

Gene: MEN1 (menin 1; minus strand). Cytogenetic location: 11q13.1.
Variant type: single nucleotide variant.
Coding change: c.193C>A on transcript NM_001370259.2 (MANE Select); coding-DNA position 193, C replaced by A.
Protein change: p.Pro65Thr; replaces proline 65 with threonine.
Molecular consequence: missense variant.
Genome position (GRCh38, 1-based): chr11:64,809,917, G>T on the plus strand (C>A on the coding strand, the complement: MEN1 is on the minus strand). VCF-style: chr11-64809917-G-T. GRCh37 (hg19) VCF-style: chr11-64577389-G-T.
Other names: c.193C>A, p.Pro65Thr (NM_000244.4, NM_001370251.2, NM_001370260.2 and 9 more transcripts); short protein forms P65T.
Identifiers: ClinVar variation 527267 (VCV000527267.8), dbSNP rs1235900915, ClinGen allele CA381187675.

ClinVar aggregate classification (germline): Uncertain significance (1 of 4 stars; one submission).

Conditions:
Multiple endocrine neoplasia, type 1 (MEN1). Also called: MEN I; WERMER SYNDROME; Endocrine adenomatosis multiple; MEN 1; MEA I. Identifiers: Orphanet 652, MedGen C0025267, MeSH D018761, MONDO:0007540, OMIM 131100.

Submission:

Labcorp Genetics (formerly Invitae), Labcorp
Classification: Uncertain significance for Multiple endocrine neoplasia, type 1. Last evaluated: 2024-07-05. Review status: criteria provided, single submitter. Criteria: Invitae Variant Classification Sherloc (09022015). Collection method: clinical testing. Allele origin: germline.
Comment: This sequence change replaces proline, which is neutral and non-polar, with threonine, which is neutral and polar, at codon 65 of the MEN1 protein (p.Pro65Thr). This variant is not present in population databases (gnomAD no frequency). This variant has not been reported in the literature in individuals affected with MEN1-related conditions. ClinVar contains an entry for this variant (Variation ID: 527267). Advanced modeling of protein sequence and biophysical properties (such as structural, functional, and spatial information, amino acid conservation, physicochemical variation, residue mobility, and thermodynamic stability) performed at Invitae indicates that this missense variant is expected to disrupt MEN1 protein function with a positive predictive value of 80%. In summary, the available evidence is currently insufficient to determine the role of this variant in disease. Therefore, it has been classified as a Variant of Uncertain Significance.